The following is an entry in ClinVar:

NM_000540.3(RYR1):c.3021C>G (p.Ser1007Arg)

Gene: RYR1 (ryanodine receptor 1; plus strand). Cytogenetic location: 19q13.2.
Variant type: single nucleotide variant.
Coding change: c.3021C>G on transcript NM_000540.3 (MANE Select); coding-DNA position 3021, C replaced by G.
Protein change: p.Ser1007Arg; replaces serine 1007 with arginine.
Molecular consequence: missense variant.
Genome position (GRCh38, 1-based): chr19:38,466,241, C>G. VCF-style: chr19-38466241-C-G. GRCh37 (hg19) VCF-style: chr19-38956881-C-G.
Other names: c.3021C>G, p.Ser1007Arg (NM_001042723.2); short protein forms S1007R.
Identifiers: ClinVar variation 2637858 (VCV002637858.5), dbSNP rs143891703, ClinGen allele CA405635113.

ClinVar aggregate classification (germline): Uncertain significance. Review status: criteria provided, multiple submitters, no conflicts (2 of 4 stars). 3 submissions from 3 submitters: Uncertain significance (3). Last evaluated 2023-10-23.

Conditions:
Malignant hyperthermia, susceptibility to, 1 (MHS1). Also called: Anesthesia related hyperthermia; Malignant hyperpyrexia; Fulminating hyperpyrexia; Pharmacogenic myopathy; RYR1-Related Malignant Hyperthermia Susceptibility; Malignant hyperthermia suceptibility 1. Identifiers: Orphanet 423, MedGen C2930980, MONDO:0007783, OMIM 145600.
RYR1-related disorder. Also called: RYR1-related condition; RYR1-related disorders. Identifiers: MedGen CN239331.

gnomAD v4.1: 2 of 1,613,238 alleles (0.00012%); highest among the groups gnomAD compares: African/African-American, 0.0027%; no homozygotes.

Submissions (3):

Women's Health and Genetics/Laboratory Corporation of America, LabCorp
Classification: Uncertain significance. Last evaluated: 2023-10-23. Review status: criteria provided, single submitter. Criteria: LabCorp Variant Classification Summary - May 2015. Collection method: clinical testing. Allele origin: germline.
Comment: Variant summary: RYR1 c.3021C>G (p.Ser1007Arg) results in a non-conservative amino acid change located in the Ryanodine receptor Ryr (IPR003032) of the encoded protein sequence. Four of four in-silico tools predict a damaging effect of the variant on protein function. The variant allele was found at a frequency of 3.2e-05 in 31386 control chromosomes. The available data on variant occurrences in the general population are insufficient to allow any conclusion about variant significance. To our knowledge, no occurrence of c.3021C>G in individuals affected with Myopathy, RYR1-Associated and no experimental evidence demonstrating its impact on protein function have been reported. No submitters have cited clinical-significance assessments for this variant to ClinVar after 2014. Based on the evidence outlined above, the variant was classified as uncertain significance.

Labcorp Genetics (formerly Invitae), Labcorp
Classification: Uncertain significance for RYR1-related disorder. Last evaluated: 2023-09-30. Review status: criteria provided, single submitter. Criteria: Invitae Variant Classification Sherloc (09022015). Collection method: clinical testing. Allele origin: germline.
Comment: In summary, the available evidence is currently insufficient to determine the role of this variant in disease. Therefore, it has been classified as a Variant of Uncertain Significance. Advanced modeling of protein sequence and biophysical properties (such as structural, functional, and spatial information, amino acid conservation, physicochemical variation, residue mobility, and thermodynamic stability) has been performed at Invitae for this missense variant, however the output from this modeling did not meet the statistical confidence thresholds required to predict the impact of this variant on RYR1 protein function. This variant has not been reported in the literature in individuals affected with RYR1-related conditions. This variant is present in population databases (no rsID available, gnomAD 0.01%). This sequence change replaces serine, which is neutral and polar, with arginine, which is basic and polar, at codon 1007 of the RYR1 protein (p.Ser1007Arg).

All of Us Research Program, National Institutes of Health
Classification: Uncertain significance for Malignant hyperthermia, susceptibility to, 1. Last evaluated: 2023-08-15. Review status: criteria provided, single submitter. Criteria: ACMG Guidelines, 2015. Collection method: clinical testing. Allele origin: germline. Inheritance: Autosomal dominant inheritance. Observed: 1 variant allele, 1 heterozygote.
Comment: This missense variant replaces serine with arginine at codon 1007 of the RYR1 protein. Computational prediction is inconclusive regarding the impact of this variant on protein structure and function (internally defined REVEL score threshold 0.5 < inconclusive < 0.7, PMID: 27666373). To our knowledge, functional studies have not been reported for this variant. This variant has not been reported in individuals affected with RYR1-related disorders in the literature. This variant has been identified in 1/31386 chromosomes in the general population by the Genome Aggregation Database (gnomAD). The available evidence is insufficient to determine the role of this variant in disease conclusively. Therefore, this variant is classified as a Variant of Uncertain Significance.

This study involves interpretation of variants in research participants for the purpose of population health screening. Participant phenotype was not available at the time of variant classification. Additional details can be found in publication PMID: 35346344, PMCID: PMC8962531